The following is an entry in ClinVar:

ClinVar aggregate classification (germline): Uncertain significance (1 of 4 stars; one submission).

Conditions:
Cardiovascular phenotype. Identifiers: MedGen CN230736.

Submission:

Ambry Genetics
Classification: Uncertain significance for Cardiovascular phenotype. Last evaluated: 2025-11-17. Review status: criteria provided, single submitter. Criteria: Ambry Variant Classification Scheme 2023. Collection method: clinical testing. Allele origin: germline.
Comment: The c.10672_10674delAAA variant (also known as p.K3558del) is located in coding exon 16 of the ALMS1 gene. This variant results from an in-frame AAA deletion at nucleotide positions 10672 to 10674. This results in the in-frame deletion of a lysine at codon 3558. This amino acid position is not well conserved in available vertebrate species. In addition, this variant is predicted to be deleterious by in silico analysis (Choi Y et al. PLoS ONE. 2012; 7(10):e46688). Based on the available evidence, the clinical significance of this variant remains unclear.

NM_001378454.1(ALMS1):c.10669_10671del (p.Lys3557del)

Gene: ALMS1 (ALMS1 centrosome and basal body associated protein; plus strand). Cytogenetic location: 2p13.1.
Variant type: Deletion.
Coding change: c.10669_10671del on transcript NM_001378454.1 (MANE Select); coding-DNA positions 10669 to 10671, 3 bases deleted (AAA; older notation c.10669_10671delAAA).
Protein change: p.Lys3557del; deletes lysine 3557.
Molecular consequence: inframe deletion.
Genome position (GRCh38, 1-based): chr2:73,572,546-73,572,548, AAA deleted. VCF-style (leftmost placement, unchanged base first): chr2-73572545-CAAA-C. GRCh37 (hg19) VCF-style: chr2-73799672-CAAA-C.
Other names: c.10672_10674del, p.Lys3558del (NM_015120.4); c.10672_10674delAAA (NM_015120.4); short protein forms K3557del, K3558del.
Identifiers: ClinVar variation 4613458 (VCV004613458.1).